The following is an entry in ClinVar:

ClinVar aggregate classification (germline): Uncertain significance (1 of 4 stars; one submission).

Conditions:
Beckwith-Wiedemann syndrome (BWS). Also called: Exomphalos macroglossia gigantism syndrome; EMG SYNDROME. Identifiers: Orphanet 116, MedGen C0004903, MONDO:0007534, OMIM 130650.

Submission:

Labcorp Genetics (formerly Invitae), Labcorp
Classification: Uncertain significance for Beckwith-Wiedemann syndrome. Last evaluated: 2021-09-18. Review status: criteria provided, single submitter. Criteria: Invitae Variant Classification Sherloc (09022015). Collection method: clinical testing. Allele origin: germline.
Comment: This variant has not been reported in the literature in individuals affected with CDKN1C-related conditions. This sequence change replaces glutamic acid with lysine at codon 222 of the CDKN1C protein (p.Glu222Lys). The glutamic acid residue is weakly conserved and there is a small physicochemical difference between glutamic acid and lysine. The frequency data for this variant in the population databases is considered unreliable, as metrics indicate insufficient coverage at this position in the ExAC database. Algorithms developed to predict the effect of missense changes on protein structure and function are either unavailable or do not agree on the potential impact of this missense change (SIFT: "Deleterious"; PolyPhen-2: "Not Available"; Align-GVGD: "Class C0"). In summary, the available evidence is currently insufficient to determine the role of this variant in disease. Therefore, it has been classified as a Variant of Uncertain Significance.

NM_001122630.2(CDKN1C):c.631G>A (p.Glu211Lys)

Gene: CDKN1C (cyclin dependent kinase inhibitor 1C; minus strand). Cytogenetic location: 11p15.4.
Variant type: single nucleotide variant.
Coding change: c.631G>A on transcript NM_001122630.2 (MANE Select); coding-DNA position 631, G replaced by A.
Protein change: p.Glu211Lys; replaces glutamic acid 211 with lysine.
Molecular consequence: missense variant. On other transcripts: intron variant (1).
Genome position (GRCh38, 1-based): chr11:2,884,826, C>T on the plus strand (G>A on the coding strand, the complement: CDKN1C is on the minus strand). VCF-style: chr11-2884826-C-T. GRCh37 (hg19) VCF-style: chr11-2906056-C-T.
Other names: c.664G>A, p.Glu222Lys (NM_000076.2, NM_001362474.2); c.631G>A, p.Glu211Lys (NM_001122631.2); c.255+376G>A (NM_001362475.2); short protein forms E222K, E211K.
Identifiers: ClinVar variation 1468064 (VCV001468064.6), dbSNP rs775889163, ClinGen allele CA379146012.